The following is an entry in ClinVar:

NM_000760.4(CSF3R):c.170C>T (p.Pro57Leu)

Gene: CSF3R (colony stimulating factor 3 receptor; minus strand). Cytogenetic location: 1p34.3.
Variant type: single nucleotide variant.
Coding change: c.170C>T on transcript NM_000760.4 (MANE Select); coding-DNA position 170, C replaced by T.
Protein change: p.Pro57Leu; replaces proline 57 with leucine.
Molecular consequence: missense variant.
Genome position (GRCh38, 1-based): chr1:36,475,568, G>A on the plus strand (C>T on the coding strand, the complement: CSF3R is on the minus strand). VCF-style: chr1-36475568-G-A. GRCh37 (hg19) VCF-style: chr1-36941169-G-A.
Other names: c.170C>T, p.Pro57Leu (NM_156039.3, NM_172313.3); c.170C>T (NM_000760.3); short protein forms P57L.
Identifiers: ClinVar variation 1398603 (VCV001398603.10), dbSNP rs746657668, ClinGen allele CA769548.
Genomic context (GRCh38, chr1:36,475,568, plus strand): 5'-CGCTGCTGCCTGCCCCCGGGCTGAAGCTCTGCTCCCAGTCTCCACAGAATCTGTGGCTCC[G>A]GGTCCAGATGGCTGCAGTTCTGCTTGATGATGCAGGAGGCTGTGATGGGATCCCCCAGGT-3'
Protein context (NP_000751.1, residues 47-67): IIKQNCSHLD[Pro57Leu]EPQILWRLGA

ClinVar aggregate classification (germline): Conflicting classifications of pathogenicity. Review status: criteria provided, conflicting classifications (1 of 4 stars). 3 submissions from 3 submitters: Uncertain significance (2); Likely benign (1). Last evaluated 2025-09-15.

Conditions:
Autosomal recessive severe congenital neutropenia due to CSF3R deficiency. Also called: Neutropenia, severe congenital, 7, autosomal recessive. Identifiers: Orphanet 420702, MedGen C4310764, MONDO:0014865, OMIM 617014.
Inborn genetic diseases. Identifiers: MedGen C0950123, MeSH D030342.

Allele frequency attached by ClinVar (database versions not stated): gnomAD 0.00001; gnomAD exomes 0.00001 and 0.00002; TOPMed 0.00001; ExAC 0.00003.
gnomAD v4.1: 10 of 1,613,324 alleles (0.00062%); highest among the groups gnomAD compares: Admixed American, 0.0033%; no homozygotes.

Submissions (3):

Labcorp Genetics (formerly Invitae), Labcorp
Classification: Uncertain significance for Autosomal recessive severe congenital neutropenia due to CSF3R deficiency. Last evaluated: 2025-09-15. Review status: criteria provided, single submitter. Criteria: Invitae Variant Classification Sherloc (09022015). Collection method: clinical testing. Allele origin: germline.
Comment: This sequence change replaces proline, which is neutral and non-polar, with leucine, which is neutral and non-polar, at codon 57 of the CSF3R protein (p.Pro57Leu). This variant is present in population databases (rs746657668, gnomAD 0.009%). This variant has not been reported in the literature in individuals affected with CSF3R-related conditions. ClinVar contains an entry for this variant (Variation ID: 1398603). An algorithm developed to predict the effect of missense changes on protein structure and function outputs the following: PolyPhen-2: "Benign". The leucine amino acid residue is found in multiple mammalian species, which suggests that this missense change does not adversely affect protein function. In summary, the available evidence is currently insufficient to determine the role of this variant in disease. Therefore, it has been classified as a Variant of Uncertain Significance.

Ambry Genetics
Classification: Likely benign for Inborn genetic diseases. Last evaluated: 2025-04-13. Review status: criteria provided, single submitter. Criteria: Ambry Variant Classification Scheme 2023. Collection method: clinical testing. Allele origin: germline.

Blueprint Genetics
Classification: Uncertain significance. Last evaluated: 2022-11-03. Review status: criteria provided, single submitter. Criteria: ACMG Guidelines, 2015. Collection method: clinical testing. Allele origin: germline.